The following is an entry in ClinVar:

ClinVar aggregate classification (germline): Uncertain significance. Review status: criteria provided, multiple submitters, no conflicts (2 of 4 stars). 2 submissions from 2 submitters: Uncertain significance (2). Last evaluated 2024-12-17.

Conditions:
Inborn genetic diseases. Identifiers: MedGen C0950123, MeSH D030342.

Allele frequency attached by ClinVar (database versions not stated): ExAC 0.00002; TOPMed 0.00004.
gnomAD v4.1: 8 of 1,612,794 alleles (0.0005%); highest among the groups gnomAD compares: African/African-American, 0.011%; no homozygotes.

Submissions (2):

Ambry Genetics
Classification: Uncertain significance for Inborn genetic diseases. Last evaluated: 2024-12-17. Review status: criteria provided, single submitter. Criteria: Ambry Variant Classification Scheme 2023. Collection method: clinical testing. Allele origin: germline.

Labcorp Genetics (formerly Invitae), Labcorp
Classification: Uncertain significance. Last evaluated: 2022-03-19. Review status: criteria provided, single submitter. Criteria: Invitae Variant Classification Sherloc (09022015). Collection method: clinical testing. Allele origin: germline.
Comment: This sequence change replaces leucine, which is neutral and non-polar, with valine, which is neutral and non-polar, at codon 1103 of the SKIV2L protein (p.Leu1103Val). This variant is present in population databases (rs554711461, gnomAD 0.02%). This variant has not been reported in the literature in individuals affected with SKIV2L-related conditions. Algorithms developed to predict the effect of missense changes on protein structure and function are either unavailable or do not agree on the potential impact of this missense change (SIFT: "Tolerated"; PolyPhen-2: "Possibly Damaging"; Align-GVGD: "Class C0"). In summary, the available evidence is currently insufficient to determine the role of this variant in disease. Therefore, it has been classified as a Variant of Uncertain Significance.

NM_006929.5(SKIC2):c.3307C>G (p.Leu1103Val)

Gene: SKIC2 (SKI2 subunit of superkiller complex; plus strand). Cytogenetic location: 6p21.33.
Variant type: single nucleotide variant.
Coding change: c.3307C>G on transcript NM_006929.5 (MANE Select); coding-DNA position 3307, C replaced by G.
Protein change: p.Leu1103Val; replaces leucine 1103 with valine.
Molecular consequence: missense variant.
Genome position (GRCh38, 1-based): chr6:31,968,997, C>G. VCF-style: chr6-31968997-C-G. GRCh37 (hg19) VCF-style: chr6-31936774-C-G.
Other names: c.3307C>G (NM_006929.4); short protein forms L1103V.
Identifiers: ClinVar variation 1944537 (VCV001944537.3), dbSNP rs554711461, ClinGen allele CA3730022.